The following is an entry in ClinVar:

NM_000368.5(TSC1):c.87T>C (p.Phe29=)

Gene: TSC1 (TSC complex subunit 1; minus strand). Cytogenetic location: 9q34.13.
Variant type: single nucleotide variant.
Coding change: c.87T>C on transcript NM_000368.5 (MANE Select); coding-DNA position 87, T replaced by C.
Protein change: p.Phe29=; no amino-acid change (phenylalanine 29 retained).
Molecular consequence: synonymous variant. On other transcripts: 5 prime UTR variant (1).
Genome position (GRCh38, 1-based): chr9:132,928,786, A>G on the plus strand (T>C on the coding strand, the complement: TSC1 is on the minus strand). VCF-style: chr9-132928786-A-G. GRCh37 (hg19) VCF-style: chr9-135804173-A-G.
Other names: c.87T>C, p.Phe29= (NM_001162426.2, NM_001162427.2); c.-173T>C (NM_001362177.2).
Identifiers: ClinVar variation 486577 (VCV000486577.57), dbSNP rs745384145, ClinGen allele CA039345.

ClinVar aggregate classification (germline): Benign/Likely benign. Review status: criteria provided, multiple submitters, no conflicts (2 of 4 stars). 8 submissions from 8 submitters: Benign (1); Likely benign (7). Last evaluated 2026-01-27.

Conditions:
Hereditary cancer-predisposing syndrome. Also called: Hereditary neoplastic syndrome; Neoplastic Syndromes, Hereditary; Hereditary Cancer Syndrome; Tumor predisposition. Identifiers: Orphanet 140162, MedGen C0027672, MeSH D009386, MONDO:0015356.
Tuberous sclerosis syndrome (TSC). Also called: Tuberous Sclerosis Complex; Tuberous sclerosis. Identifiers: Orphanet 805, MedGen C0041341, MONDO:0001734.
Tuberous sclerosis 1 (TSC1). Identifiers: Orphanet 805, MedGen C1854465, MONDO:0008612, OMIM 191100.

Allele frequency attached by ClinVar (database versions not stated): ExAC 0.00001; gnomAD exomes 0.00001 and 0.00002; TOPMed 0.00002; gnomAD 0.00003.
gnomAD v4.1: 29 of 1,614,056 alleles (0.0018%); highest among the groups gnomAD compares: Non-Finnish European, 0.0022%; no homozygotes.

Submissions (8):

Labcorp Genetics (formerly Invitae), Labcorp
Classification: Likely benign for Tuberous sclerosis 1. Last evaluated: 2026-01-27. Review status: criteria provided, single submitter. Criteria: Invitae Variant Classification Sherloc (09022015). Collection method: clinical testing. Allele origin: germline.

Myriad Genetics, Inc.
Classification: Benign for Tuberous sclerosis 1. Last evaluated: 2025-04-07. Review status: criteria provided, single submitter. Criteria: Myriad Autosomal Dominant, Autosomal Recessive and X-Linked Classification Criteria (2023). Collection method: clinical testing. Allele origin: unknown.
Comment: This variant is considered benign. This variant is a silent/synonymous amino acid change and it is not expected to impact splicing.

All of Us Research Program, National Institutes of Health
Classification: Likely benign for Tuberous sclerosis syndrome. Last evaluated: 2024-09-23. Review status: criteria provided, single submitter. Criteria: ACMG Guidelines, 2015. Collection method: clinical testing. Allele origin: germline. Inheritance: Autosomal dominant inheritance. Observed: 6 variant alleles, 6 heterozygotes.
Comment: This study involves interpretation of variants in research participants for the purpose of population health screening. Participant phenotype was not available at the time of variant classification. Additional details can be found in publication PMID: 35346344, PMCID: PMC8962531

CeGaT Center for Human Genetics Tuebingen
Classification: Likely benign. Last evaluated: 2023-03-01. Review status: criteria provided, single submitter. Criteria: CeGaT Center For Human Genetics Tuebingen Variant Classification Criteria Version 2. Collection method: clinical testing. Allele origin: germline. Affected: yes. Observed: 1 variant allele.
Comment: TSC1: BP4, BP7

Color Diagnostics, LLC DBA Color Health
Classification: Likely benign for Tuberous sclerosis syndrome. Last evaluated: 2022-05-13. Review status: criteria provided, single submitter. Criteria: ACMG Guidelines, 2015. Collection method: clinical testing. Allele origin: germline.

Sema4
Classification: Likely benign for Hereditary cancer-predisposing syndrome. Last evaluated: 2021-12-05. Review status: criteria provided, single submitter. Criteria: Sema4 Curation Guidelines. Collection method: curation. Allele origin: germline.

Genome-Nilou Lab
Classification: Likely benign for Tuberous sclerosis 1. Last evaluated: 2021-11-07. Review status: criteria provided, single submitter. Criteria: ACMG Guidelines, 2015. Collection method: clinical testing. Allele origin: germline. Affected: no.

Ambry Genetics
Classification: Likely benign for Hereditary cancer-predisposing syndrome. Last evaluated: 2015-12-18. Review status: criteria provided, single submitter. Criteria: Ambry Variant Classification Scheme 2023. Collection method: clinical testing. Allele origin: germline.